The following is an entry in ClinVar:

ClinVar aggregate classification (germline): Uncertain significance (1 of 4 stars; one submission).

Submission:

Labcorp Genetics (formerly Invitae), Labcorp
Classification: Uncertain significance. Last evaluated: 2021-09-03. Review status: criteria provided, single submitter. Criteria: Invitae Variant Classification Sherloc (09022015). Collection method: clinical testing. Allele origin: germline.
Comment: In summary, the available evidence is currently insufficient to determine the role of this variant in disease. Therefore, it has been classified as a Variant of Uncertain Significance. Nucleotide substitutions within the consensus splice site are a relatively common cause of aberrant splicing (PMID: 17576681, 9536098). Algorithms developed to predict the effect of sequence changes on RNA splicing suggest that this variant is not likely to affect RNA splicing. This variant has not been reported in the literature in individuals affected with CNGB3-related conditions. This variant is not present in population databases (ExAC no frequency). This sequence change falls in intron 17 of the CNGB3 gene. It does not directly change the encoded amino acid sequence of the CNGB3 protein. It affects a nucleotide within the consensus splice site of the intron.

Literature cited by the submitters: PubMed 17576681; PubMed 9536098.

NM_019098.5(CNGB3):c.2103+5T>C

Gene: CNGB3 (cyclic nucleotide gated channel subunit beta 3; minus strand). Cytogenetic location: 8q21.3.
Variant type: single nucleotide variant.
Coding change: c.2103+5T>C on transcript NM_019098.5 (MANE Select); 5 bases into the intron after coding-DNA position 2103, T replaced by C.
Molecular consequence: intron variant.
Genome position (GRCh38, 1-based): chr8:86,578,684, A>G on the plus strand (T>C on the coding strand, the complement: CNGB3 is on the minus strand). VCF-style: chr8-86578684-A-G. GRCh37 (hg19) VCF-style: chr8-87590912-A-G.
Identifiers: ClinVar variation 1440088 (VCV001440088.6), dbSNP rs2131531966, ClinGen allele CA2573143513.
Genomic context (GRCh38, chr8:86,578,684, plus strand): 5'-TTGTGTGTATATACTTAGTCTGGGGCCTTCTCCATGACAGCCGTCCATTCACTCCACCTT[A>G]TTACCTGAGCTGCTTGCTCTCGCTTCAATTTGAGTAGTCTTGCAAGACTTGCTTTTCCTG-3'